The following is an entry in ClinVar:

ClinVar aggregate classification (germline): Uncertain significance (1 of 4 stars; one submission).

Submission:

Labcorp Genetics (formerly Invitae), Labcorp
Classification: Uncertain significance. Last evaluated: 2022-03-17. Review status: criteria provided, single submitter. Criteria: Invitae Variant Classification Sherloc (09022015). Collection method: clinical testing. Allele origin: germline.
Comment: This sequence change replaces aspartic acid, which is acidic and polar, with valine, which is neutral and non-polar, at codon 101 of the LZTFL1 protein (p.Asp101Val). This variant has not been reported in the literature in individuals affected with LZTFL1-related conditions. This variant is not present in population databases (gnomAD no frequency). In summary, the available evidence is currently insufficient to determine the role of this variant in disease. Therefore, it has been classified as a Variant of Uncertain Significance. Algorithms developed to predict the effect of missense changes on protein structure and function are either unavailable or do not agree on the potential impact of this missense change (SIFT: "Deleterious"; PolyPhen-2: "Probably Damaging"; Align-GVGD: "Class C15").

NM_020347.4(LZTFL1):c.302A>T (p.Asp101Val)

Gene: LZTFL1 (leucine zipper transcription factor like 1; minus strand). Cytogenetic location: 3p21.31.
Variant type: single nucleotide variant.
Coding change: c.302A>T on transcript NM_020347.4 (MANE Select); coding-DNA position 302, A replaced by T.
Protein change: p.Asp101Val; replaces aspartic acid 101 with valine.
Molecular consequence: missense variant. On other transcripts: non-coding transcript variant (1).
Genome position (GRCh38, 1-based): chr3:45,835,611, T>A on the plus strand (A>T on the coding strand, the complement: LZTFL1 is on the minus strand). VCF-style: chr3-45835611-T-A. GRCh37 (hg19) VCF-style: chr3-45877103-T-A.
Other names: c.251A>T, p.Asp84Val (NM_001276378.2, NM_001386451.1, NM_001405922.1 and 4 more transcripts); c.290A>T, p.Asp97Val (NM_001276379.2, NM_001405921.1); c.302A>T, p.Asp101Val (NM_001386452.1, NM_001405924.1); c.326A>T, p.Asp109Val (NM_001405920.1, NM_001405925.1); short protein forms D109V, D84V, D101V, D97V.
Identifiers: ClinVar variation 2097835 (VCV002097835.4), dbSNP rs2529797382, ClinGen allele CA352453442.